The following is an entry in ClinVar:

ClinVar aggregate classification (germline): Uncertain significance. Review status: criteria provided, multiple submitters, no conflicts (2 of 4 stars). 2 submissions from 2 submitters: Uncertain significance (2). Last evaluated 2024-06-03.

Allele frequency attached by ClinVar (database versions not stated): ExAC 0.00002; gnomAD exomes 0.00003; TOPMed 0.00003; gnomAD 0.00006 and 0.00007.

Submissions (2):

Labcorp Genetics (formerly Invitae), Labcorp
Classification: Uncertain significance. Last evaluated: 2024-06-03. Review status: criteria provided, single submitter. Criteria: Invitae Variant Classification Sherloc (09022015). Collection method: clinical testing. Allele origin: germline.
Comment: This sequence change replaces tyrosine, which is neutral and polar, with histidine, which is basic and polar, at codon 76 of the MICAL1 protein (p.Tyr76His). This variant is present in population databases (rs546425501, gnomAD 0.01%). This variant has not been reported in the literature in individuals affected with MICAL1-related conditions. ClinVar contains an entry for this variant (Variation ID: 1423725). An algorithm developed to predict the effect of missense changes on protein structure and function (PolyPhen-2) suggests that this variant is likely to be disruptive. In summary, the available evidence is currently insufficient to determine the role of this variant in disease. Therefore, it has been classified as a Variant of Uncertain Significance.

Ambry Genetics
Classification: Uncertain significance. Last evaluated: 2022-12-06. Review status: criteria provided, single submitter. Criteria: Ambry Variant Classification Scheme 2023. Collection method: clinical testing. Allele origin: germline.

NM_022765.4(MICAL1):c.169T>C (p.Tyr57His)

Gene: MICAL1 (microtubule associated monooxygenase, calponin and LIM domain containing 1; minus strand). Cytogenetic location: 6q21.
Variant type: single nucleotide variant.
Coding change: c.169T>C on transcript NM_022765.4 (MANE Select); coding-DNA position 169, T replaced by C.
Protein change: p.Tyr57His; replaces tyrosine 57 with histidine.
Molecular consequence: missense variant.
Genome position (GRCh38, 1-based): chr6:109,454,028, A>G on the plus strand (T>C on the coding strand, the complement: MICAL1 is on the minus strand). VCF-style: chr6-109454028-A-G. GRCh37 (hg19) VCF-style: chr6-109775231-A-G.
Other names: c.169T>C (NM_022765.3); c.169T>C, p.Tyr57His (NM_001159291.2); c.226T>C, p.Tyr76His (NM_001286613.2); short protein forms Y76H, Y57H.
Identifiers: ClinVar variation 1423725 (VCV001423725.7), dbSNP rs546425501, ClinGen allele CA3953884.